The following is an entry in ClinVar:

NM_020911.2(PLXNA4):c.238G>T (p.Val80Phe)

Gene: PLXNA4 (plexin A4; minus strand). Cytogenetic location: 7q32.3.
Variant type: single nucleotide variant.
Coding change: c.238G>T on transcript NM_020911.2 (MANE Select); coding-DNA position 238, G replaced by T.
Protein change: p.Val80Phe; replaces valine 80 with phenylalanine.
Molecular consequence: missense variant.
Genome position (GRCh38, 1-based): chr7:132,508,456, C>A on the plus strand (G>T on the coding strand, the complement: PLXNA4 is on the minus strand). VCF-style: chr7-132508456-C-A. GRCh37 (hg19) VCF-style: chr7-132193215-C-A.
Other names: c.238G>T, p.Val80Phe (NM_001105543.2, NM_001393897.1, NM_181775.4); short protein forms V80F.
Identifiers: ClinVar variation 4977517 (VCV004977517.1).

ClinVar aggregate classification (germline): Uncertain significance (1 of 4 stars; one submission).

Conditions:
PLXNA4-related disorder. Also called: PLXNA4-related condition.

gnomAD v4.1: 14 of 1,614,096 alleles (0.00087%); highest among the groups gnomAD compares: Admixed American, 0.0067%; no homozygotes.

Submission:

PreventionGenetics, part of Exact Sciences
Classification: Uncertain significance for PLXNA4-related condition. Last evaluated: 2026-09-22. Review status: criteria provided, single submitter. Criteria: ACMG Guidelines, 2015. Collection method: clinical testing. Allele origin: germline.
Comment: The PLXNA4 c.238G>T variant is predicted to result in the amino acid substitution p.Val80Phe. To our knowledge, this variant has not been reported in the literature. This variant is reported in 0.0058% of alleles in individuals of Latino descent in gnomAD. At this time, the clinical significance of this variant is uncertain due to the absence of conclusive functional and genetic evidence.